The following is an entry in ClinVar:

NC_000019.9:g.(?_42479761)_(42492734_?)del

Gene: ATP1A3 (ATPase Na+/K+ transporting subunit alpha 3; minus strand). Cytogenetic location: 19q13.2.
Variant type: Deletion.
Identifiers: ClinVar variation 2427354 (VCV002427354.4).

ClinVar aggregate classification (germline): Pathogenic (1 of 4 stars; one submission).

Conditions:
Dystonia 12 (DYT12). Also called: DYT-ATP1A3; Rapid-Onset Dystonia-Parkinsonism (RDP). Identifiers: Orphanet 71517, MedGen C1868681, MONDO:0007496, OMIM 128235.

Submission:

Labcorp Genetics (formerly Invitae), Labcorp
Classification: Pathogenic for Dystonia 12. Last evaluated: 2022-03-13. Review status: criteria provided, single submitter. Criteria: Invitae Variant Classification Sherloc (09022015). Collection method: clinical testing. Allele origin: germline.
Comment: For these reasons, this variant has been classified as Pathogenic. This variant has not been reported in the literature in individuals affected with ATP1A3-related conditions. This variant is a gross deletion of the genomic region encompassing exon(s) 2-16 of the ATP1A3 gene. This deletion is out-of-frame, and is expected to create a premature termination codon and result in an absent or disrupted protein product. Loss-of-function variants in ATP1A3 are known to be pathogenic (PMID: 24631656, 24983657).

Literature cited by the submitters: PubMed 24631656; PubMed 24983657.